The following is an entry in ClinVar:

NM_020638.3(FGF23):c.559C>T (p.Arg187Trp)

Gene: FGF23 (fibroblast growth factor 23; minus strand). Cytogenetic location: 12p13.32.
Variant type: single nucleotide variant.
Coding change: c.559C>T on transcript NM_020638.3 (MANE Select); coding-DNA position 559, C replaced by T.
Protein change: p.Arg187Trp; replaces arginine 187 with tryptophan.
Molecular consequence: missense variant.
Genome position (GRCh38, 1-based): chr12:4,370,540, G>A on the plus strand (C>T on the coding strand, the complement: FGF23 is on the minus strand). VCF-style: chr12-4370540-G-A. GRCh37 (hg19) VCF-style: chr12-4479706-G-A.
Other names: short protein forms R187W.
Identifiers: ClinVar variation 1419246 (VCV001419246.7), dbSNP rs190841442, ClinGen allele CA6395651.
Genomic context (GRCh38, chr12:4,370,540, plus strand): 5'-AACAGGAGGCCGGGGCCGGGGTCATCCGGGCCCGGGGCTTCAGCACGTTCAGGGGGTCCC[G>A]CTCCGAGTCGTCCTCGGCGCTCCGGGTGTGCCGCCGTGGTATGGGGGTGTTGAAGTGAAT-3'
Protein context (NP_065689.1, residues 177-197): HTRSAEDDSE[Arg187Trp]DPLNVLKPRA

ClinVar aggregate classification (germline): Uncertain significance. Review status: criteria provided, multiple submitters, no conflicts (2 of 4 stars). 2 submissions from 2 submitters: Uncertain significance (2). Last evaluated 2024-05-08.

Conditions:
Autosomal dominant hypophosphatemic rickets (ADHR). Also called: HYPOPHOSPHATEMIA, AUTOSOMAL DOMINANT; VITAMIN D-RESISTANT RICKETS, AUTOSOMAL DOMINANT. Identifiers: Orphanet 89937, MedGen C0342642, MONDO:0008660, OMIM 193100.
Tumoral calcinosis, hyperphosphatemic, familial, 2. Identifiers: MedGen C4693863, MONDO:0060714, OMIM 617993.

gnomAD v4.1: 2 of 1,613,190 alleles (0.00012%); highest among the groups gnomAD compares: Non-Finnish European, 0.00017%; no homozygotes.

Submissions (2):

Labcorp Genetics (formerly Invitae), Labcorp
Classification: Uncertain significance. Last evaluated: 2024-05-08. Review status: criteria provided, single submitter. Criteria: Invitae Variant Classification Sherloc (09022015). Collection method: clinical testing. Allele origin: germline.
Comment: This sequence change replaces arginine, which is basic and polar, with tryptophan, which is neutral and slightly polar, at codon 187 of the FGF23 protein (p.Arg187Trp). This variant is present in population databases (rs190841442, gnomAD 0.0009%). This variant has not been reported in the literature in individuals affected with FGF23-related conditions. ClinVar contains an entry for this variant (Variation ID: 1419246). Algorithms developed to predict the effect of missense changes on protein structure and function output the following: SIFT: "Not Available"; PolyPhen-2: "Benign"; Align-GVGD: "Not Available". The tryptophan amino acid residue is found in multiple mammalian species, which suggests that this missense change does not adversely affect protein function. In summary, the available evidence is currently insufficient to determine the role of this variant in disease. Therefore, it has been classified as a Variant of Uncertain Significance.

Fulgent Genetics
Classification: Uncertain significance for Autosomal dominant hypophosphatemic rickets; Tumoral calcinosis, hyperphosphatemic, familial, 2. Last evaluated: 2024-03-07. Review status: criteria provided, single submitter. Criteria: ACMG Guidelines, 2015. Collection method: clinical testing. Allele origin: germline.